The following is an entry in ClinVar:

NM_007208.4(MRPL3):c.707C>G (p.Thr236Ser)

Gene: MRPL3 (mitochondrial ribosomal protein L3; minus strand). Cytogenetic location: 3q22.1.
Variant type: single nucleotide variant.
Coding change: c.707C>G on transcript NM_007208.4 (MANE Select); coding-DNA position 707, C replaced by G.
Protein change: p.Thr236Ser; replaces threonine 236 with serine.
Molecular consequence: missense variant.
Genome position (GRCh38, 1-based): chr3:131,471,202, G>C on the plus strand (C>G on the coding strand, the complement: MRPL3 is on the minus strand). VCF-style: chr3-131471202-G-C. GRCh37 (hg19) VCF-style: chr3-131190046-G-C.
Other names: short protein forms T236S.
Identifiers: ClinVar variation 1314137 (VCV001314137.2), dbSNP rs2110696575, ClinGen allele CA354543630.
Genomic context (GRCh38, chr3:131,471,202, plus strand): 5'-TTAAAAAGAGCTTCACTAGTTATACTCACACCAGTTGCAACAGCTCCAGGTCTCCTGTGG[G>C]TTTTCGTTTGACCATGCGTAGCAGGCTGGCCTTTAAATCCCCATCTTTTCATGACACCTT-3'
Protein context (NP_009139.1, residues 226-246): GQPATHGQTK[Thr236Ser]HRRPGAVATG

ClinVar aggregate classification (germline): Uncertain significance (1 of 4 stars; one submission).

Allele frequency attached by ClinVar (database versions not stated): gnomAD exomes below 0.00001.
gnomAD v4.1: 1 of 1,613,242 alleles (0.000062%); highest among the groups gnomAD compares: Non-Finnish European, 0.000085%; no homozygotes.

Submission:

GeneDx
Classification: Uncertain significance. Last evaluated: 2020-03-03. Review status: criteria provided, single submitter. Criteria: GeneDx Variant Classification Process June 2021. Collection method: clinical testing. Allele origin: germline. Affected: yes.
Comment: Not observed in large population cohorts (Lek et al., 2016); In silico analysis supports that this missense variant has a deleterious effect on protein structure/function; Has not been previously published as pathogenic or benign to our knowledge